The following is an entry in ClinVar:

ClinVar aggregate classification (germline): Likely pathogenic (1 of 4 stars; one submission).

Conditions:
LAMA2-related muscular dystrophy (LAMA2-RD). Also called: Laminin alpha 2-related dystrophy. Identifiers: MedGen C5679788, MONDO:0100228.

Submission:

Labcorp Genetics (formerly Invitae), Labcorp
Classification: Likely pathogenic for LAMA2-related muscular dystrophy. Last evaluated: 2022-07-21. Review status: criteria provided, single submitter. Criteria: Invitae Variant Classification Sherloc (09022015). Collection method: clinical testing. Allele origin: germline.
Comment: In summary, the currently available evidence indicates that the variant is pathogenic, but additional data are needed to prove that conclusively. Therefore, this variant has been classified as Likely Pathogenic. A similar copy number variant has been observed in individual(s) with clinical features of LAMA2-related muscular dystrophy (Invitae). In at least one individual the data is consistent with being in trans (on the opposite chromosome) from a pathogenic variant. This variant is a gross deletion of the genomic region encompassing exon(s) 29 of the LAMA2 gene. This variant would be expected to be in-frame, preserving the integrity of the reading frame.

NC_000006.11:g.(?_129649403)_(129649577_?)del

Gene: LAMA2 (laminin subunit alpha 2; plus strand). Cytogenetic location: 6q22.33.
Variant type: Deletion.
Identifiers: ClinVar variation 2423052 (VCV002423052.5).